The following is an entry in ClinVar:

NM_024741.3(ZNF408):c.206A>G (p.Lys69Arg)

Gene: ZNF408 (zinc finger protein 408; plus strand). Cytogenetic location: 11p11.2.
Variant type: single nucleotide variant.
Coding change: c.206A>G on transcript NM_024741.3 (MANE Select); coding-DNA position 206, A replaced by G.
Protein change: p.Lys69Arg; replaces lysine 69 with arginine.
Molecular consequence: missense variant.
Genome position (GRCh38, 1-based): chr11:46,701,552, A>G. VCF-style: chr11-46701552-A-G. GRCh37 (hg19) VCF-style: chr11-46723102-A-G.
Other names: c.182A>G, p.Lys61Arg (NM_001184751.2); short protein forms K69R, K61R.
Identifiers: ClinVar variation 933314 (VCV000933314.9), dbSNP rs2064705913, ClinGen allele CA380251728.

ClinVar aggregate classification (germline): Uncertain significance (1 of 4 stars; one submission).

Allele frequency attached by ClinVar (database versions not stated): TOPMed below 0.00001.
gnomAD v4.1: 3 of 1,613,588 alleles (0.00019%); highest among the groups gnomAD compares: Middle Eastern, 0.016%; no homozygotes.

Submission:

Labcorp Genetics (formerly Invitae), Labcorp
Classification: Uncertain significance. Last evaluated: 2022-08-23. Review status: criteria provided, single submitter. Criteria: Invitae Variant Classification Sherloc (09022015). Collection method: clinical testing. Allele origin: germline.
Comment: This variant is not present in population databases (gnomAD no frequency). This variant has not been reported in the literature in individuals affected with ZNF408-related conditions. ClinVar contains an entry for this variant (Variation ID: 933314). Algorithms developed to predict the effect of missense changes on protein structure and function output the following: SIFT: "Tolerated"; PolyPhen-2: "Benign"; Align-GVGD: "Class C0". The arginine amino acid residue is found in multiple mammalian species, which suggests that this missense change does not adversely affect protein function. Algorithms developed to predict the effect of sequence changes on RNA splicing suggest that this variant may create or strengthen a splice site. In summary, the available evidence is currently insufficient to determine the role of this variant in disease. Therefore, it has been classified as a Variant of Uncertain Significance. This sequence change replaces lysine, which is basic and polar, with arginine, which is basic and polar, at codon 69 of the ZNF408 protein (p.Lys69Arg).